The following is an entry in ClinVar:

NM_000528.4(MAN2B1):c.2355G>A (p.Thr785=)

Gene: MAN2B1 (mannosidase alpha class 2B member 1; minus strand). Cytogenetic location: 19p13.13.
Variant type: single nucleotide variant.
Coding change: c.2355G>A on transcript NM_000528.4 (MANE Select); coding-DNA position 2355, G replaced by A.
Protein change: p.Thr785=; no amino-acid change (threonine 785 retained).
Molecular consequence: synonymous variant.
Genome position (GRCh38, 1-based): chr19:12,649,341, C>T on the plus strand (G>A on the coding strand, the complement: MAN2B1 is on the minus strand). VCF-style: chr19-12649341-C-T. GRCh37 (hg19) VCF-style: chr19-12760155-C-T.
Other names: NC_000019.9:g.12760155C>T; c.2352G>A, p.Thr784= (NM_001173498.2).
Identifiers: ClinVar variation 554100 (VCV000554100.8), dbSNP rs1008745697, ClinGen allele CA305461972.

ClinVar aggregate classification (germline): Pathogenic/Likely pathogenic. Review status: criteria provided, multiple submitters, no conflicts (2 of 4 stars). 4 submissions from 4 submitters: Pathogenic (2); Likely pathogenic (1). 1 of the submissions does not count toward it. Last evaluated 2026-01-06.

Conditions:
Deficiency of alpha-mannosidase (MANSA). Also called: LYSOSOMAL ALPHA-D-MANNOSIDASE DEFICIENCY; Mannosidosis, alpha-, types I and II; Alpha-Mannosidosis. Identifiers: Orphanet 61, MedGen C0024748, MONDO:0009561, OMIM 248500.

Allele frequency attached by ClinVar (database versions not stated): gnomAD exomes below 0.00001.
gnomAD v4.1: 5 of 1,613,064 alleles (0.00031%); highest among the groups gnomAD compares: Non-Finnish European, 0.00034%; no homozygotes.

Submissions (5):

Natera, Inc.
Classification: Pathogenic for Alpha-mannosidosis. Last evaluated: 2026-01-06. Review status: criteria provided, single submitter. Criteria: Natera Variant Classification Schema (03/2026). Collection method: clinical testing. Allele origin: germline.
Comment: The c.2355G>A variant in MAN2B1 is a synonymous variant that does not alter the encoded amino acid at position 785 (p.T785=). This variant is rare in the general population with a frequency below the threshold expected for the associated phenotype(s). This variant has been observed in one or more individuals affected with the associated recessive disease, as either homozygous or compound heterozygous with a second variant (PMID: 22161967). Additionally, this variant has been observed to segregate in affected family members (PMID: 22161967). Functional studies show that this variant may disrupt protein function (PMID: 22161967). Computational prediction algorithms indicate this variant is likely to affect gene or protein function. Given the available evidence, this variant is classified as Pathogenic.

Genome-Nilou Lab
Classification: Likely pathogenic for Deficiency of alpha-mannosidase. Last evaluated: 2021-09-05. Review status: criteria provided, single submitter. Criteria: ACMG Guidelines, 2015. Collection method: clinical testing. Allele origin: germline. Affected: no.

Women's Health and Genetics/Laboratory Corporation of America, LabCorp
Classification: Pathogenic for Deficiency of alpha-mannosidase. Last evaluated: 2018-03-19. Review status: criteria provided, single submitter. Criteria: LabCorp Variant Classification Summary - May 2015. Collection method: clinical testing. Allele origin: germline.
Comment: Variant summary: MAN2B1 c.2355G>A (p.Thr785Thr) alters a conserved nucleotide located at the canonical splice site and therefore could affect mRNA splicing, leading to a significantly altered protein sequence. Several computational tools predict a significant impact on normal splicing: Four predict the variant abolishes a 5 splicing donor site and three predict the variant creates a 3 acceptor site. At least one publication reports experimental evidence that this variant affects mRNA splicing (RiseStensland_2012). The variant allele was found at a frequency of 4.1e-06 in 245802 control chromosomes (gnomAD and publications). c.2355G>A has been reported in the literature in individuals affected with Alpha-Mannosidosis (both as compound heterozygotes and one homozygote)(RiseStensland_2012, Borgwardt_2015). These data indicate that the variant is likely to be associated with disease. No clinical diagnostic laboratories have submitted clinical-significance assessments for this variant to ClinVar after 2014. Based on the evidence outlined above, the variant was classified as pathogenic.

Counsyl
Classification: Likely pathogenic for Deficiency of alpha-mannosidase. Last evaluated: 2017-09-27. Review status: no assertion criteria provided. Collection method: clinical testing. Allele origin: unknown. Not counted in ClinVar's aggregate classification.

Dr. Peter K. Rogan Lab, Western University
No classification provided (evidence only). Condition: Familial cancer of breast. Review status: no classification provided. Collection method: in vitro. Allele origin: not applicable. Functional consequence: skipped exon. Not counted in ClinVar's aggregate classification.

Literature cited by the submitters: PubMed 22161967 (cited by 3 submitters).